The following is an entry in ClinVar:

ClinVar aggregate classification (germline): Uncertain significance (1 of 4 stars; one submission).

Allele frequency attached by ClinVar (database versions not stated): gnomAD exomes below 0.00001 and 0.00001; ExAC 0.00001; TOPMed 0.00002.
gnomAD v4.1: 5 of 1,611,962 alleles (0.00031%); highest among the groups gnomAD compares: Admixed American, 0.0017%; no homozygotes.

Submission:

GeneDx
Classification: Uncertain significance. Last evaluated: 2019-10-25. Review status: criteria provided, single submitter. Criteria: GeneDx Variant Classification Process June 2021. Collection method: clinical testing. Allele origin: germline. Affected: yes.
Comment: In silico analysis, which includes protein predictors and evolutionary conservation, supports that this variant does not alter protein structure/function; Has not been previously published as pathogenic or benign to our knowledge

NM_001382391.1(CSPP1):c.973G>A (p.Asp325Asn)

Gene: CSPP1 (centrosome and spindle pole associated protein 1; plus strand). Cytogenetic location: 8q13.2.
Variant type: single nucleotide variant.
Coding change: c.973G>A on transcript NM_001382391.1 (MANE Select); coding-DNA position 973, G replaced by A.
Protein change: p.Asp325Asn; replaces aspartic acid 325 with asparagine.
Molecular consequence: missense variant. On other transcripts: intron variant (1).
Genome position (GRCh38, 1-based): chr8:67,103,086, G>A. VCF-style: chr8-67103086-G-A. GRCh37 (hg19) VCF-style: chr8-68015321-G-A.
Other names: c.118G>A, p.Asp40Asn (NM_001291339.2); c.892G>A, p.Asp298Asn (NM_001363131.2, NM_001363133.2); c.973G>A, p.Asp325Asn (NM_001363132.2); c.1081G>A, p.Asp361Asn (NM_001364869.1); c.1000G>A, p.Asp334Asn (NM_024790.7); c.951-2819G>A (NM_001364870.1); short protein forms D298N, D325N, D334N, D361N, D40N.
Identifiers: ClinVar variation 1309663 (VCV001309663.2), dbSNP rs779705991, ClinGen allele CA4770407.
Genomic context (GRCh38, chr8:67,103,086, plus strand): 5'-GTGTTTTTAAGGATGCACAGGAACAAACGAGGGAATATGCCTCCTATGGAACATGATGGG[G>A]ATGTTATAGAACAGTCAAACATAAGAATTTCATCTGCTGAAAATAAAAGGTACAGTATGT-3'
Protein context (NP_001369320.1, residues 315-335): GNMPPMEHDG[Asp325Asn]VIEQSNIRIS